The following is an entry in ClinVar:

NM_001375765.1(GIGYF1):c.1571del (p.Val524fs)

Gene: GIGYF1 (GRB10 interacting GYF protein 1; minus strand). Cytogenetic location: 7q22.1.
Variant type: Deletion.
Coding change: c.1571del on transcript NM_001375765.1 (MANE Select); coding-DNA position 1571, one base deleted (T; older notation c.1571delT).
Protein change: p.Val524fs; shifts the reading frame from valine 524.
Molecular consequence: frameshift variant. On other transcripts: non-coding transcript variant (1).
Genome position (GRCh38, 1-based): chr7:100,684,508, A deleted on the plus strand (T on the coding strand, the reverse complement: GIGYF1 is on the minus strand). VCF-style (leftmost placement, unchanged base first): chr7-100684507-CA-C. GRCh37 (hg19) VCF-style: chr7-100282130-CA-C.
Other names: NM_022574.4:c.1571delT; c.1571del, p.Val524fs (NM_001375759.1, NM_001375760.1, NM_001375761.1 and 6 more transcripts); short protein forms V524fs.
Identifiers: ClinVar variation 2527770 (VCV002527770.2), dbSNP rs2486253620, ClinGen allele CA2580615955.

ClinVar aggregate classification (germline): Uncertain significance (1 of 4 stars; one submission).

Submission:

Ambry Genetics
Classification: Uncertain significance. Last evaluated: 2023-05-03. Review status: criteria provided, single submitter. Criteria: Ambry Variant Classification Scheme 2023. Collection method: clinical testing. Allele origin: germline.
Comment: The c.1571delT (p.V524Gfs*28) alteration, located in exon 13 (coding exon 13) of the GIGYF1 gene, consists of a deletion of one nucleotide at position 1571, causing a translational frameshift with a predicted alternate stop codon after 28 amino acids. This alteration is expected to result in premature protein truncation or nonsense-mediated mRNA decay. However, loss of function of GIGYF1 has not been established as a mechanism of disease. This variant was not reported in population-based cohorts in the Genome Aggregation Database (gnomAD). Based on insufficient or conflicting evidence, the clinical significance of this alteration remains unclear.